The following is an entry in ClinVar:

ClinVar aggregate classification (germline): Uncertain significance (1 of 4 stars; one submission).

Submission:

Labcorp Genetics (formerly Invitae), Labcorp
Classification: Uncertain significance. Last evaluated: 2022-07-01. Review status: criteria provided, single submitter. Criteria: Invitae Variant Classification Sherloc (09022015). Collection method: clinical testing. Allele origin: germline.
Comment: In summary, the available evidence is currently insufficient to determine the role of this variant in disease. Therefore, it has been classified as a Variant of Uncertain Significance. Advanced modeling of protein sequence and biophysical properties (such as structural, functional, and spatial information, amino acid conservation, physicochemical variation, residue mobility, and thermodynamic stability) performed at Invitae indicates that this missense variant is not expected to disrupt COL7A1 protein function. This variant has not been reported in the literature in individuals affected with COL7A1-related conditions. This variant is not present in population databases (gnomAD no frequency). This sequence change replaces leucine, which is neutral and non-polar, with phenylalanine, which is neutral and non-polar, at codon 2828 of the COL7A1 protein (p.Leu2828Phe).

NM_000094.4(COL7A1):c.8482C>T (p.Leu2828Phe)

Gene: COL7A1 (collagen type VII alpha 1 chain; minus strand). Cytogenetic location: 3p21.31.
Variant type: single nucleotide variant.
Coding change: c.8482C>T on transcript NM_000094.4 (MANE Select); coding-DNA position 8482, C replaced by T.
Protein change: p.Leu2828Phe; replaces leucine 2828 with phenylalanine.
Molecular consequence: missense variant.
Genome position (GRCh38, 1-based): chr3:48,565,455, G>A on the plus strand (C>T on the coding strand, the complement: COL7A1 is on the minus strand). VCF-style: chr3-48565455-G-A. GRCh37 (hg19) VCF-style: chr3-48602888-G-A.
Other names: short protein forms L2828F.
Identifiers: ClinVar variation 1932253 (VCV001932253.5), dbSNP rs2530802515, ClinGen allele CA352634942.